The following is an entry in ClinVar:

ClinVar aggregate classification (germline): Pathogenic/Likely pathogenic. Review status: criteria provided, multiple submitters, no conflicts (2 of 4 stars). 2 submissions from 2 submitters: Pathogenic (1); Likely pathogenic (1). Last evaluated 2024-04-30.

Conditions:
Mitochondrial complex I deficiency, nuclear type 5. Also called: Mitochondrial complex 1 deficiency, nuclear type 5. Identifiers: MedGen C4748754, MONDO:0032610, OMIM 618226.

Allele frequency attached by ClinVar (database versions not stated): gnomAD 0.00001; gnomAD exomes 0.00001; ExAC 0.00002.

Submissions (2):

Fulgent Genetics
Classification: Likely pathogenic for Mitochondrial complex I deficiency, nuclear type 5. Last evaluated: 2024-04-30. Review status: criteria provided, single submitter. Criteria: ACMG Guidelines, 2015. Collection method: clinical testing. Allele origin: germline.

Victorian Clinical Genetics Services, Murdoch Childrens Research Institute
Classification: Pathogenic for Mitochondrial complex I deficiency, nuclear type 5. Last evaluated: 2023-07-17. Review status: criteria provided, single submitter. Criteria: ACMG Guidelines, 2015. Collection method: clinical testing. Allele origin: germline. Inheritance: Autosomal recessive inheritance. Affected: yes.
Comment: Based on the classification scheme VCGS_Germline_v1.3.4, this variant is classified as Pathogenic. Following criteria are me 0102 - Loss of function is a known mechanism of disease in this gene and is associated with mitochondrial complex I deficiency, nuclear type 5 (MIM#618226). (I) 0106 - This gene is associated with autosomal recessive disease. (I) 0201 - Variant is predicted to cause nonsense-mediated decay (NMD) and loss of protein (premature termination codon is located at least 54 nucleotides upstream of the final exon-exon junction). (SP) 0251 - This variant is heterozygous. (I) 0304 - Variant is present in gnomAD (v2) <0.01 for a recessive condition (4 heterozygotes, 0 homozygotes). (SP) 0702 - Other NMD-predicted variants comparable to the one identified in this case have strong previous evidence for pathogenicity (DECIPHER). (SP) 0807 - This variant has no previous evidence of pathogenicity. (I) 0905 - No published segregation evidence has been identified for this variant. (I) 1007 - No published functional evidence has been identified for this variant. (I) 1102 - Strong phenotype match for this individual. (I) Legend: (SP) - Supporting pathogenic, (I) - Information, (SB) - Supporting benign

NM_005006.7(NDUFS1):c.1298_1325del (p.Gly433fs)

Gene: NDUFS1 (NADH:ubiquinone oxidoreductase core subunit S1; minus strand). Cytogenetic location: 2q33.3.
Variant type: Deletion.
Coding change: c.1298_1325del on transcript NM_005006.7 (MANE Select); coding-DNA positions 1298 to 1325, 28 bases deleted (GCAGTCCAGTGGACCTCACTTACACATA).
Protein change: p.Gly433fs; shifts the reading frame from glycine 433.
Molecular consequence: frameshift variant.
Genome position (GRCh38, 1-based): chr2:206,138,552-206,138,579, TATGTGTAAGTGAGGTCCACTGGACTGC deleted on the plus strand (GCAGTCCAGTGGACCTCACTTACACATA on the coding strand, the reverse complement: NDUFS1 is on the minus strand). VCF-style (leftmost placement, unchanged base first): chr2-206138551-ATATGTGTAAGTGAGGTCCACTGGACTGC-A. GRCh37 (hg19) VCF-style: chr2-207003275-ATATGTGTAAGTGAGGTCCACTGGACTGC-A.
Other names: c.1190_1217del, p.Gly397fs (NM_001199981.2); c.965_992del, p.Gly322fs (NM_001199982.2); c.1127_1154del, p.Gly376fs (NM_001199983.2); c.1340_1367del, p.Gly447fs (NM_001199984.2); short protein forms G322fs, G376fs, G397fs, G433fs, G447fs.
Identifiers: ClinVar variation 3254828 (VCV003254828.2), dbSNP rs750285313.